The following is an entry in ClinVar:

NM_001243133.2(NLRP3):c.848C>T (p.Pro283Leu)

Gene: NLRP3 (NLR family pyrin domain containing 3; plus strand). Cytogenetic location: 1q44.
Variant type: single nucleotide variant.
Coding change: c.848C>T on transcript NM_001243133.2 (MANE Select); coding-DNA position 848, C replaced by T.
Protein change: p.Pro283Leu; replaces proline 283 with leucine.
Molecular consequence: missense variant.
Genome position (GRCh38, 1-based): chr1:247,424,297, C>T. VCF-style: chr1-247424297-C-T. GRCh37 (hg19) VCF-style: chr1-247587599-C-T.
Other names: c.848C>T, p.Pro283Leu (NM_001079821.3, NM_001127461.3, NM_001127462.3 and 1 more transcripts); c.854C>T, p.Pro285Leu (NM_004895.5); short protein forms P283L, P285L.
Identifiers: ClinVar variation 643421 (VCV000643421.10), dbSNP rs1572169138, ClinGen allele CA345555565.

ClinVar aggregate classification (germline): Uncertain significance. Review status: criteria provided, multiple submitters, no conflicts (2 of 4 stars). 2 submissions from 2 submitters: Uncertain significance (2). Last evaluated 2026-01-18.

Conditions:
Cryopyrin associated periodic syndrome (CAPS). Identifiers: Orphanet 208650, MedGen C2316212, MONDO:0016168.

gnomAD v4.1: 3 of 1,614,078 alleles (0.00019%); highest among the groups gnomAD compares: Non-Finnish European, 0.00025%; no homozygotes.

Submissions (2):

Labcorp Genetics (formerly Invitae), Labcorp
Classification: Uncertain significance for Cryopyrin associated periodic syndrome. Last evaluated: 2026-01-18. Review status: criteria provided, single submitter. Criteria: Invitae Variant Classification Sherloc (09022015). Collection method: clinical testing. Allele origin: germline.
Comment: This sequence change replaces proline, which is neutral and non-polar, with leucine, which is neutral and non-polar, at codon 285 of the NLRP3 protein (p.Pro285Leu). This variant is not present in population databases (gnomAD no frequency). This variant has not been reported in the literature in individuals affected with NLRP3-related conditions. ClinVar contains an entry for this variant (Variation ID: 643421). Invitae Evidence Modeling of protein sequence and biophysical properties (such as structural, functional, and spatial information, amino acid conservation, physicochemical variation, residue mobility, and thermodynamic stability) has been performed for this missense variant. However, the output from this modeling did not meet the statistical confidence thresholds required to predict the impact of this variant on NLRP3 protein function. In summary, the available evidence is currently insufficient to determine the role of this variant in disease. Therefore, it has been classified as a Variant of Uncertain Significance.

Dasa
Classification: Uncertain significance. Last evaluated: 2025-07-24. Review status: criteria provided, single submitter. Criteria: DASA Assertion Criteria. Collection method: clinical testing. Allele origin: germline.
Comment: NM_001243133.2(NLRP3):c.848C>T (p.Pro283Leu) is a missense variant that results in the substitution of proline with leucine. This variant is rare in population databases. The currently available literature and clinical evidence are not sufficient to establish a definitive association between this variant and the reported condition. Therefore, this variant is classified as a variant of uncertain significance.